The following is an entry in ClinVar:

ClinVar aggregate classification (germline): Likely pathogenic. Review status: reviewed by expert panel (3 of 4 stars). 3 submissions from 3 submitters: Likely pathogenic (1). 2 of the submissions do not count toward it. Last evaluated 2023-05-27.

Conditions:
Monogenic diabetes. Identifiers: Orphanet 183625, MedGen C3888631, MONDO:0015967.
Maturity-onset diabetes of the young type 1. Also called: MILD JUVENILE DIABETES MELLITUS; MODY, type I; MODY type 1; Diabetes mellitus MODY type 1; MODY HNF4A related; HNF4A-Related Maturity-Onset Diabetes of the Young Type 1. Identifiers: Orphanet 552, MedGen C1852093, MONDO:0007452, OMIM 125850. Disease mechanism: loss of function.

gnomAD v4.1: 1 of 1,614,110 alleles (0.000062%); highest among the groups gnomAD compares: Non-Finnish European, 0.000085%; no homozygotes.

Submissions (3):

ClinGen Monogenic Diabetes Variant Curation Expert Panel
Classification: Likely pathogenic for Monogenic diabetes. Last evaluated: 2023-05-27. Review status: reviewed by expert panel. Criteria: MDEP HNF4A Specificiations 1.0.0. Collection method: curation. Allele origin: germline. Inheritance: Autosomal dominant inheritance.
Comment: The c.787G>C variant in the HNF4A gene causes an amino acid change of glutamic acid to glutamine at codon 263 (p.Glu263Gln) of NM_175914.5. Functional studies demonstrated the p.Glu276Gln protein has transactivation below 60% of wildtype, indicating that this variant impacts protein function (PS3_Supporting; PMIDs: 30325586, 30191603). This variant is outside of the region defined as critical for the protein’s function by the ClinGen MDEP (codons 37-113, 180-220 and 300-350). This variant is absent from gnomAD v2.1.1 (PM2_Supporting). Another missense variant, c.789G>C p.Glu263Asp has been classified as a VUS by the ClinGen MDEP; therefore, PM5 will not be applied. This variant segregated with diabetes, with at least 5 informative meioses in 1 family with MODY (PP1_Strong). This variant is predicted to be deleterious by computational evidence, with a REVEL score of 0.952, which is greater than the MDEP VCEP threshold of 0.70 (PP3). In summary, c.787G>C meets the criteria to be classified as likely pathogenic for monogenic diabetes. ACMG/AMP criteria applied, as specified by the ClinGen MDEP (specification version 1.0.0, approved 11/16/2022): PS3_Supporting PM2_Supporting, PP1_Strong, PP3_Supporting, PP4_Moderate.

Labcorp Genetics (formerly Invitae), Labcorp
Classification: Pathogenic. Last evaluated: 2023-06-04. Review status: criteria provided, single submitter. Criteria: Invitae Variant Classification Sherloc (09022015). Collection method: clinical testing. Allele origin: germline. Not counted in ClinVar's aggregate classification.
Comment: Advanced modeling of protein sequence and biophysical properties (such as structural, functional, and spatial information, amino acid conservation, physicochemical variation, residue mobility, and thermodynamic stability) has been performed at Invitae for this missense variant, however the output from this modeling did not meet the statistical confidence thresholds required to predict the impact of this variant on HNF4A protein function. ClinVar contains an entry for this variant (Variation ID: 1700660). This variant is also known as p.E276Q. This missense change has been observed in individuals with maturity-onset diabetes of the young (MODY) (PMID: 9243109, 36257325). It has also been observed to segregate with disease in related individuals. This variant is not present in population databases (gnomAD no frequency). This sequence change replaces glutamic acid, which is acidic and polar, with glutamine, which is neutral and polar, at codon 263 of the HNF4A protein (p.Glu263Gln). For these reasons, this variant has been classified as Pathogenic. Experimental studies have shown that this missense change affects HNF4A function (PMID: 10331424, 30191603, 30325586).

Geisinger Clinic, Geisinger Health System
Classification: Likely pathogenic for Maturity-onset diabetes of the young type 1. Last evaluated: 2022-08-02. Review status: criteria provided, single submitter. Criteria: ACMG Guidelines, 2015. Collection method: research. Allele origin: germline. Inheritance: Autosomal dominant inheritance. Affected: yes. Observed: 1 variant allele. Not counted in ClinVar's aggregate classification.
Comment: PP1_Strong, PP4_Moderate, PM2, PP3, PS3_Supporting

Literature cited by the submitters: PubMed 9243109 (cited by Labcorp Genetics (formerly Invitae), Labcorp); PubMed 36257325 (cited by Labcorp Genetics (formerly Invitae), Labcorp and Geisinger Clinic, Geisinger Health System); PubMed 10331424 (cited by Labcorp Genetics (formerly Invitae), Labcorp); PubMed 30191603 (cited by Labcorp Genetics (formerly Invitae), Labcorp); PubMed 30325586 (cited by Labcorp Genetics (formerly Invitae), Labcorp).

NM_175914.5(HNF4A):c.787G>C (p.Glu263Gln)

Gene: HNF4A (hepatocyte nuclear factor 4 alpha; plus strand). Cytogenetic location: 20q13.12.
Variant type: single nucleotide variant.
Coding change: c.787G>C on transcript NM_175914.5 (MANE Select); coding-DNA position 787, G replaced by C.
Protein change: p.Glu263Gln; replaces glutamic acid 263 with glutamine.
Molecular consequence: missense variant.
Genome position (GRCh38, 1-based): chr20:44,419,837, G>C. VCF-style: chr20-44419837-G-C. GRCh37 (hg19) VCF-style: chr20-43048477-G-C.
Other names: NM_175914.5(HNF4A):c.787G>C; p.Glu263Gln; c.853G>C, p.Glu285Gln (NM_000457.6, NM_178849.3, NM_178850.3); c.787G>C, p.Glu263Gln (NM_001030003.3, NM_001030004.3); c.832G>C, p.Glu278Gln (NM_001258355.2); c.778G>C, p.Glu260Gln (NM_001287182.2, NM_001287183.2, NM_001287184.2); short protein forms E260Q, E263Q, E278Q, E285Q.
Identifiers: ClinVar variation 1700660 (VCV001700660.6), dbSNP rs1385142974, ClinGen allele CA409107565.